The following is an entry in ClinVar:

NM_024817.3(THSD4):c.2708G>A (p.Ser903Asn)

Gene: THSD4 (thrombospondin type 1 domain containing 4; plus strand). Cytogenetic location: 15q23.
Variant type: single nucleotide variant.
Coding change: c.2708G>A on transcript NM_024817.3 (MANE Select); coding-DNA position 2708, G replaced by A.
Protein change: p.Ser903Asn; replaces serine 903 with asparagine.
Molecular consequence: missense variant.
Genome position (GRCh38, 1-based): chr15:71,765,138, G>A. VCF-style: chr15-71765138-G-A. GRCh37 (hg19) VCF-style: chr15-72057477-G-A.
Other names: c.2708G>A (NM_024817.2); c.1628G>A, p.Ser543Asn (NM_001286429.2); c.2708G>A, p.Ser903Asn (NM_001394532.1); short protein forms S543N, S903N.
Identifiers: ClinVar variation 2645504 (VCV002645504.25), dbSNP rs148016609, ClinGen allele CA7640008.

ClinVar aggregate classification (germline): Benign/Likely benign. Review status: criteria provided, multiple submitters, no conflicts (2 of 4 stars). 2 submissions from 2 submitters: Benign (1); Likely benign (1). Last evaluated 2026-09-01.

Conditions:
Familial thoracic aortic aneurysm and aortic dissection (TAAD). Also called: Thoracic aortic aneurysms and dissections. Identifiers: Orphanet 91387, MedGen C4707243, MONDO:0019625.

Allele frequency attached by ClinVar (database versions not stated): 1000 Genomes Project 0.00100; 1000 Genomes Project 30x 0.00156; TOPMed 0.00475; gnomAD 0.00483; ExAC 0.00522; ESP Exome Variant Server 0.00645; gnomAD exomes 0.00681.
gnomAD v4.1: 10,717 of 1,614,196 alleles (0.66%); highest among the groups gnomAD compares: Non-Finnish European, 0.78%; 48 homozygotes.

Submissions (2):

CeGaT Center for Human Genetics Tuebingen
Classification: Likely benign. Last evaluated: 2026-09-01. Review status: criteria provided, single submitter. Criteria: CeGaT Center For Human Genetics Tuebingen Variant Classification Criteria Version 2. Collection method: clinical testing. Allele origin: germline. Affected: yes. Observed: 14 variant alleles.
Comment: THSD4: BP4, BS2

CHEO Genetics Diagnostic Laboratory, Children's Hospital of Eastern Ontario
Classification: Benign for Familial thoracic aortic aneurysm and aortic dissection. Last evaluated: 2023-02-08. Review status: criteria provided, single submitter. Criteria: ACMG Guidelines, 2015. Collection method: clinical testing. Allele origin: germline.